The following is an entry in ClinVar:

ClinVar aggregate classification (germline): Conflicting classifications of pathogenicity. Review status: criteria provided, conflicting classifications (1 of 4 stars). 2 submissions from 2 submitters: Uncertain significance (1); Likely benign (1). Last evaluated 2023-03-23.

Conditions:
Hereditary cancer-predisposing syndrome. Also called: Hereditary Cancer Syndrome; Neoplastic Syndromes, Hereditary; Tumor predisposition; Hereditary neoplastic syndrome. Identifiers: Orphanet 140162, MedGen C0027672, MeSH D009386, MONDO:0015356.

Allele frequency attached by ClinVar (database versions not stated): gnomAD exomes below 0.00001.
gnomAD v4.1: 1 of 1,613,264 alleles (0.000062%); highest among the groups gnomAD compares: Non-Finnish European, 0.000085%; no homozygotes.

Submissions (2):

University of Washington Department of Laboratory Medicine, University of Washington
Classification: Likely benign for Hereditary cancer-predisposing syndrome. Last evaluated: 2023-03-23. Review status: criteria provided, single submitter. Criteria: Dines et al. (Genet Med. 2020). Collection method: curation. Allele origin: germline.
Comment: Missense variant in a coldspot region where missense variants are very unlikely to be pathogenic (PMID:31911673).

BRCA2 exon 11 coldspot. Reclassification based on statistical prior probability.

Ambry Genetics
Classification: Uncertain significance for Hereditary cancer-predisposing syndrome. Last evaluated: 2022-09-30. Review status: criteria provided, single submitter. Criteria: Ambry Variant Classification Scheme 2023. Collection method: clinical testing. Allele origin: germline.
Comment: The p.P1612S variant (also known as c.4834C>T), located in coding exon 10 of the BRCA2 gene, results from a C to T substitution at nucleotide position 4834. The proline at codon 1612 is replaced by serine, an amino acid with similar properties. This amino acid position is not well conserved in available vertebrate species. In addition, this alteration is predicted to be tolerated by in silico analysis. Since supporting evidence is limited at this time, the clinical significance of this alteration remains unclear.

NM_000059.4(BRCA2):c.4834C>T (p.Pro1612Ser)

Gene: BRCA2 (BRCA2 DNA repair associated; plus strand). Cytogenetic location: 13q13.1.
Variant type: single nucleotide variant.
Coding change: c.4834C>T on transcript NM_000059.4 (MANE Select); coding-DNA position 4834, C replaced by T.
Protein change: p.Pro1612Ser; replaces proline 1612 with serine.
Molecular consequence: missense variant.
Genome position (GRCh38, 1-based): chr13:32,339,189, C>T. VCF-style: chr13-32339189-C-T. GRCh37 (hg19) VCF-style: chr13-32913326-C-T.
Other names: c.4834C>T, p.Pro1612Ser (NM_001406719.1, NM_001406720.1); short protein forms P1612S.
Identifiers: ClinVar variation 1743453 (VCV001743453.4), dbSNP rs1479815532, ClinGen allele CA387783330.